The following is an entry in ClinVar:

NM_152424.4(AMER1):c.1952T>C (p.Val651Ala)

Gene: AMER1 (APC membrane recruitment protein 1; minus strand). Cytogenetic location: Xq11.2.
Variant type: single nucleotide variant.
Coding change: c.1952T>C on transcript NM_152424.4 (MANE Select); coding-DNA position 1952, T replaced by C.
Protein change: p.Val651Ala; replaces valine 651 with alanine.
Molecular consequence: missense variant.
Genome position (GRCh38, 1-based): chrX:64,191,335, A>G on the plus strand (T>C on the coding strand, the complement: AMER1 is on the minus strand). VCF-style: chrX-64191335-A-G. GRCh37 (hg19) VCF-style: chrX-63411215-A-G.
Other names: short protein forms V651A.
Identifiers: ClinVar variation 2763758 (VCV002763758.3), dbSNP rs1455147390, ClinGen allele CA413305806.

ClinVar aggregate classification (germline): Uncertain significance (1 of 4 stars; one submission).

Submission:

Labcorp Genetics (formerly Invitae), Labcorp
Classification: Uncertain significance. Last evaluated: 2023-10-22. Review status: criteria provided, single submitter. Criteria: Invitae Variant Classification Sherloc (09022015). Collection method: clinical testing. Allele origin: germline.
Comment: This sequence change replaces valine, which is neutral and non-polar, with alanine, which is neutral and non-polar, at codon 651 of the AMER1 protein (p.Val651Ala). This variant is present in population databases (no rsID available, gnomAD 0.005%), including at least one homozygous and/or hemizygous individual. This variant has not been reported in the literature in individuals affected with AMER1-related conditions. Algorithms developed to predict the effect of missense changes on protein structure and function output the following: SIFT: "Not Available"; PolyPhen-2: "Benign"; Align-GVGD: "Not Available". The alanine amino acid residue is found in multiple mammalian species, which suggests that this missense change does not adversely affect protein function. In summary, the available evidence is currently insufficient to determine the role of this variant in disease. Therefore, it has been classified as a Variant of Uncertain Significance.